The following is an entry in ClinVar:

NM_000226.4(KRT9):c.484T>C (p.Ser162Pro)

Gene: KRT9 (keratin 9; minus strand). Cytogenetic location: 17q21.2.
Variant type: single nucleotide variant.
Coding change: c.484T>C on transcript NM_000226.4 (MANE Select); coding-DNA position 484, T replaced by C.
Protein change: p.Ser162Pro; replaces serine 162 with proline.
Molecular consequence: missense variant.
Genome position (GRCh38, 1-based): chr17:41,571,509, A>G on the plus strand (T>C on the coding strand, the complement: KRT9 is on the minus strand). VCF-style: chr17-41571509-A-G. GRCh37 (hg19) VCF-style: chr17-39727761-A-G.
Other names: short protein forms S162P.
Identifiers: ClinVar variation 66155 (VCV000066155.2), dbSNP rs267607419, ClinGen allele CA216560.
Genomic context (GRCh38, chr17:41,571,509, plus strand): 5'-CCAGGTCGTTGTTGGCCTCCTCTAGAGCCTGCACCTTATCCAAGTAAGAGGCCAGCCGAG[A>G]ATTGAGTTCCTGCATGGTGCTCTTCTCATTAGCAGTCAGAATACCACCATCACCTCCTCC-3'
Protein context (NP_000217.2, residues 152-172): NEKSTMQELN[Ser162Pro]RLASYLDKVQ

ClinVar aggregate classification (germline): Uncertain significance. Review status: criteria provided, single submitter (1 of 4 stars). 2 submissions from 2 submitters: Uncertain significance (1). 1 of the submissions does not count toward it. Last evaluated 2024-02-23.

Conditions:
Epidermolytic palmoplantar keratoderma, 1 (EPPK1). Also called: TYLOSIS; PALMOPLANTAR KERATODERMA, EPIDERMOLYTIC, WITH KNUCKLE PADS. Identifiers: Orphanet 2199, MedGen CN377798, MONDO:0007758, OMIM 144200.

Submissions (2):

3billion
Classification: Uncertain significance for Epidermolytic palmoplantar keratoderma, 1. Last evaluated: 2024-02-23. Review status: criteria provided, single submitter. Criteria: ACMG Guidelines, 2015. Collection method: clinical testing. Allele origin: germline. Affected: yes.
Comment: The variant is not observed in the gnomAD v2.1.1 dataset. Predicted Consequence/Location: The variant is located in a mutational hot spot and/or well-established functional domain in which established pathogenic variants have been reported. Missense changes are a common disease-causing mechanism. Damaging effect on gene or gene product predicted by in silico programs is uncertain [REVEL: 0.49 (damaging >=0.6, benign <0.4), 3Cnet: 0.57 (damaging >=0.6, benign <0.15)]. Therefore, this variant is classified as VUS according to the recommendation of ACMG/AMP guideline.

Epithelial Biology;  Institute of Medical Biology, Singapore
No classification provided. Review status: no classification provided. Collection method: not provided. Allele origin: not provided. Not counted in ClinVar's aggregate classification.